The following is an entry in ClinVar:

NM_015021.3(ZNF292):c.6145dup (p.Ser2049fs)

Gene: ZNF292 (zinc finger protein 292; plus strand). Cytogenetic location: 6q14.3.
Variant type: Duplication.
Coding change: c.6145dup on transcript NM_015021.3 (MANE Select); coding-DNA position 6145, one base duplicated (A; older notation c.6145dupA).
Protein change: p.Ser2049fs; shifts the reading frame from serine 2049.
Molecular consequence: frameshift variant.
Genome position (GRCh38, 1-based): chr6:87,259,774, A duplicated; the last of 9 consecutive A bases (chr6:87,259,766-87,259,774); duplicating any one gives the same sequence. VCF-style (leftmost placement, unchanged base first): chr6-87259765-G-GA. GRCh37 (hg19) VCF-style: chr6-87969483-G-GA.
Other names: c.6145dupA (NM_015021.1); c.6145dup (NM_015021.1); c.5725dup, p.Ser1909fs (NM_001351444.2); short protein forms S1909fs, S2049fs.
Identifiers: ClinVar variation 1334883 (VCV001334883.6), dbSNP rs764995318, ClinGen allele CA3914576.

ClinVar aggregate classification (germline): Pathogenic/Likely pathogenic. Review status: criteria provided, multiple submitters, no conflicts (2 of 4 stars). 5 submissions from 5 submitters: Pathogenic (3); Likely pathogenic (1). 1 of the submissions does not count toward it. Last evaluated 2025-02-02.

Conditions:
Intellectual developmental disorder, autosomal dominant 64. Also called: MENTAL RETARDATION, AUTOSOMAL DOMINANT 64. Identifiers: MedGen C5543067, MONDO:0030934, OMIM 619188.
ZNF292-related disorder. Also called: ZNF292-related condition.
Intellectual disability. Also called: Intellectual functioning disability; intellectual disabilities; Intellectual developmental disorder. Identifiers: MedGen C3714756, MeSH D008607, MONDO:0001071, HP:0001249.

Submissions (5):

Institute of Human Genetics, FAU Erlangen, Friedrich-Alexander-Universität Erlangen-Nürnberg
Classification: Pathogenic for Intellectual developmental disorder, autosomal dominant 64. Last evaluated: 2025-02-02. Review status: criteria provided, single submitter. Criteria: Hauer et al. (Genet Med. 2018). Collection method: clinical testing. Allele origin: germline. Inheritance: Autosomal dominant inheritance. Affected: yes. Observed: 1 variant allele.
Comment: This variant has been identified by standard clinical testing. Selected ACMG criteria: Pathogenic (I):PM2;PS2;PVS1

GeneDx
Classification: Likely pathogenic. Last evaluated: 2024-04-10. Review status: criteria provided, single submitter. Criteria: GeneDx Variant Classification Process June 2021. Collection method: clinical testing. Allele origin: germline. Affected: yes.
Comment: Frameshift variant predicted to result in abnormal protein length as the last 675 amino acids are replaced with 2 different amino acids, and other similar variants have been reported in HGMD; Has not been previously published as pathogenic or benign to our knowledge

Blueprint Genetics
Classification: Pathogenic for ZNF292-related disorders. Last evaluated: 2023-12-27. Review status: criteria provided, single submitter. Criteria: ACMG Guidelines, 2015. Collection method: clinical testing. Allele origin: de novo. Affected: yes. Observed: 2 variant alleles.

Cytogénomique, Hospices Civils de Lyon
Classification: Pathogenic for Intellectual disability. Last evaluated: 2022-01-24. Review status: criteria provided, single submitter. Criteria: ACMG Guidelines, 2015. Collection method: clinical testing. Allele origin: de novo. Inheritance: Sporadic. Affected: yes. Observed: 1 variant allele, 1 heterozygote.
Comment: absent from gnomAD genomes (artefact in exomes) truncating variant

PreventionGenetics, part of Exact Sciences
Classification: Likely pathogenic for ZNF292-related condition. Last evaluated: 2024-09-19. Review status: no assertion criteria provided. Collection method: clinical testing. Allele origin: germline. Not counted in ClinVar's aggregate classification.
Comment: The ZNF292 c.6145dupA variant is predicted to result in a frameshift and premature protein termination (p.Ser2049Lysfs*3). To our knowledge, this exact variant has not been reported in the literature. This variant is reported in 0.045% of alleles in individuals of Ashkenazi Jewish descent in gnomAD; however, the reported variants at this position do not pass gnomAD's data quality filters, and the reported heterozygous alleles are skewed toward low read frequency, and likely to be sequencing artifacts. This exact variant has been documented as pathogenic and likely pathogenic in the ClinVar database, including being documented as a de novo finding in one case. Frameshift variants in ZNF292 are expected to be pathogenic. This variant is interpreted as likely pathogenic.